The following is an entry in ClinVar:

NM_003680.4(YARS1):c.906+9A>G

Genes: YARS1 (tyrosyl-tRNA synthetase 1; minus strand), LOC126805688 (BRD4-independent group 4 enhancer GRCh37_chr1:33251929-33253128; plus strand). Cytogenetic location: 1p35.1.
Variant type: single nucleotide variant.
Coding change: c.906+9A>G on transcript NM_003680.4 (MANE Select); 9 bases into the intron after coding-DNA position 906, A replaced by G.
Molecular consequence: intron variant.
Genome position (GRCh38, 1-based): chr1:32,786,353, T>C on the plus strand (A>G on the coding strand, the complement: YARS1 is on the minus strand). VCF-style: chr1-32786353-T-C. GRCh37 (hg19) VCF-style: chr1-33251954-T-C.
Other names: c.906+9A>G (NM_003680.3).
Identifiers: ClinVar variation 1681505 (VCV001681505.9), dbSNP rs374356460, ClinGen allele CA745063.

ClinVar aggregate classification (germline): Likely benign. Review status: criteria provided, multiple submitters, no conflicts (2 of 4 stars). 2 submissions from 2 submitters: Likely benign (2). Last evaluated 2026-03-07.

Conditions:
Charcot-Marie-Tooth disease dominant intermediate C (CMTDIC). Also called: CHARCOT-MARIE-TOOTH NEUROPATHY, DOMINANT INTERMEDIATE C. Identifiers: Orphanet 100045, MedGen C1842237, MONDO:0012012, OMIM 608323.
YARS1-related disorder. Also called: YARS1-related condition.

Allele frequency attached by ClinVar (database versions not stated): gnomAD exomes 0.00001 and 0.00004; ExAC 0.00004; gnomAD 0.00010 and 0.00013; TOPMed 0.00013; ESP Exome Variant Server 0.00015.
gnomAD v4.1: 35 of 1,613,522 alleles (0.0022%); highest among the groups gnomAD compares: African/African-American, 0.045%; no homozygotes.

Submissions (2):

PreventionGenetics, part of Exact Sciences
Classification: Likely benign for YARS1-related condition. Last evaluated: 2026-03-07. Review status: criteria provided, single submitter. Criteria: ACMG Guidelines, 2015. Collection method: clinical testing. Allele origin: germline.
Comment: This variant is classified as likely benign based on ACMG/AMP sequence variant interpretation guidelines (Richards et al. 2015 PMID: 25741868, with internal and published modifications).

Labcorp Genetics (formerly Invitae), Labcorp
Classification: Likely benign for Charcot-Marie-Tooth disease dominant intermediate C. Last evaluated: 2022-06-22. Review status: criteria provided, single submitter. Criteria: Invitae Variant Classification Sherloc (09022015). Collection method: clinical testing. Allele origin: germline.